The following is an entry in ClinVar:

NM_030667.3(PTPRO):c.2722G>A (p.Gly908Ser)

Gene: PTPRO (protein tyrosine phosphatase receptor type O; plus strand). Cytogenetic location: 12p12.3.
Variant type: single nucleotide variant.
Coding change: c.2722G>A on transcript NM_030667.3 (MANE Select); coding-DNA position 2722, G replaced by A.
Protein change: p.Gly908Ser; replaces glycine 908 with serine.
Molecular consequence: missense variant.
Genome position (GRCh38, 1-based): chr12:15,565,603, G>A. VCF-style: chr12-15565603-G-A. GRCh37 (hg19) VCF-style: chr12-15718537-G-A.
Other names: c.2638G>A, p.Gly880Ser (NM_002848.4); c.205G>A, p.Gly69Ser (NM_030668.3, NM_030670.3); c.289G>A, p.Gly97Ser (NM_030669.3, NM_030671.3); short protein forms G69S, G880S, G908S, G97S.
Identifiers: ClinVar variation 3940911 (VCV003940911.1).

ClinVar aggregate classification (germline): Uncertain significance (1 of 4 stars; one submission).

Submission:

Ambry Genetics
Classification: Uncertain significance. Last evaluated: 2025-05-18. Review status: criteria provided, single submitter. Criteria: Ambry Variant Classification Scheme 2023. Collection method: clinical testing. Allele origin: germline.
Comment: Does not currently meet published gene-disease clinical validity criteria Based on insufficient or conflicting evidence, the clinical significance of this alteration remains unclear.

Literature cited by the submitters: PubMed 28106320.